The following is an entry in ClinVar:

ClinVar aggregate classification (germline): Uncertain significance (1 of 4 stars; one submission).

Conditions:
KIDINS220-related disorder. Also called: KIDINS220-related condition.

gnomAD v4.1: 2 of 1,560,920 alleles (0.00013%); highest among the groups gnomAD compares: African/African-American, 0.0014%; no homozygotes.

Submission:

PreventionGenetics, part of Exact Sciences
Classification: Uncertain significance for KIDINS220-related condition. Last evaluated: 2026-05-05. Review status: criteria provided, single submitter. Criteria: ACMG Guidelines, 2015. Collection method: clinical testing. Allele origin: germline.
Comment: The KIDINS220 c.603+9C>G variant is predicted to interfere with splicing. This variant is predicted to alter splicing based on available splicing prediction programs (SpliceAI, Jaganathan et al. 2019. PubMed ID: 30661751). However, the use of computer prediction programs is not equivalent to functional evidence. To our knowledge, this variant has not been reported in the literature. This variant is reported in 0.013% of alleles in individuals of African descent in gnomAD. At this time, the clinical significance of this variant is uncertain due to the absence of conclusive functional and genetic evidence.

NM_020738.4(KIDINS220):c.603+9C>G

Gene: KIDINS220 (kinase D interacting substrate 220; minus strand). Cytogenetic location: 2p25.1.
Variant type: single nucleotide variant.
Coding change: c.603+9C>G on transcript NM_020738.4 (MANE Select); 9 bases into the intron after coding-DNA position 603, C replaced by G.
Molecular consequence: intron variant.
Genome position (GRCh38, 1-based): chr2:8,806,262, G>C on the plus strand (C>G on the coding strand, the complement: KIDINS220 is on the minus strand). VCF-style: chr2-8806262-G-C. GRCh37 (hg19) VCF-style: chr2-8946392-G-C.
Other names: c.603+9C>G (NM_001348741.2, NM_001348738.2, NM_001348742.2 and 3 more transcripts); c.606+9C>G (NM_001348739.2, NM_001348740.2, NM_001348734.2 and 3 more transcripts); c.477+9C>G (NM_001348736.2).
Identifiers: ClinVar variation 3354052 (VCV003354052.2).